The following is an entry in ClinVar:

ClinVar aggregate classification (germline): Uncertain significance. Review status: criteria provided, multiple submitters, no conflicts (2 of 4 stars). 2 submissions from 2 submitters: Uncertain significance (2). Last evaluated 2025-06-03.

Conditions:
RASopathy. Also called: Noonan spectrum disorder; rasopathies. Identifiers: Orphanet 536391, MedGen C5555857, MONDO:0021060.
SOS1-related disorder. Also called: SOS1-related condition.

Submissions (2):

Labcorp Genetics (formerly Invitae), Labcorp
Classification: Uncertain significance for RASopathy. Last evaluated: 2025-06-03. Review status: criteria provided, single submitter. Criteria: Invitae Variant Classification Sherloc (09022015). Collection method: clinical testing. Allele origin: germline.
Comment: This sequence change replaces glycine, which is neutral and non-polar, with cysteine, which is neutral and slightly polar, at codon 261 of the SOS1 protein (p.Gly261Cys). This variant is not present in population databases (gnomAD no frequency). This variant has not been reported in the literature in individuals affected with SOS1-related conditions. ClinVar contains an entry for this variant (Variation ID: 2633206). Invitae Evidence Modeling of protein sequence and biophysical properties (such as structural, functional, and spatial information, amino acid conservation, physicochemical variation, residue mobility, and thermodynamic stability) indicates that this missense variant is expected to disrupt SOS1 protein function with a positive predictive value of 80%. In summary, the available evidence is currently insufficient to determine the role of this variant in disease. Therefore, it has been classified as a Variant of Uncertain Significance.

PreventionGenetics, part of Exact Sciences
Classification: Uncertain significance for SOS1-related condition. Last evaluated: 2023-04-30. Review status: criteria provided, single submitter. Criteria: ACMG Guidelines, 2015. Collection method: clinical testing. Allele origin: germline.
Comment: The SOS1 c.781G>T variant is predicted to result in the amino acid substitution p.Gly261Cys. To our knowledge, this variant has not been reported in the literature or in a large population database, indicating this variant is rare. At this time, the clinical significance of this variant is uncertain due to the absence of conclusive functional and genetic evidence.

NM_005633.4(SOS1):c.781G>T (p.Gly261Cys)

Gene: SOS1 (SOS Ras/Rac guanine nucleotide exchange factor 1; minus strand). Cytogenetic location: 2p22.1.
Variant type: single nucleotide variant.
Coding change: c.781G>T on transcript NM_005633.4 (MANE Select); coding-DNA position 781, G replaced by T.
Protein change: p.Gly261Cys; replaces glycine 261 with cysteine.
Molecular consequence: missense variant.
Genome position (GRCh38, 1-based): chr2:39,051,227, C>A on the plus strand (G>T on the coding strand, the complement: SOS1 is on the minus strand). VCF-style: chr2-39051227-C-A. GRCh37 (hg19) VCF-style: chr2-39278368-C-A.
Other names: c.760G>T, p.Gly254Cys (NM_001382394.1); c.781G>T, p.Gly261Cys (NM_001382395.1); short protein forms G254C, G261C.
Identifiers: ClinVar variation 2633206 (VCV002633206.2), dbSNP rs1307150340, ClinGen allele CA346367728.